The following is an entry in ClinVar:

NM_001143986.2(TLE6):c.901G>A (p.Val301Met)

Gene: TLE6 (TLE family member 6, subcortical maternal complex member; plus strand). Cytogenetic location: 19p13.3.
Variant type: single nucleotide variant.
Coding change: c.901G>A on transcript NM_001143986.2 (MANE Select); coding-DNA position 901, G replaced by A.
Protein change: p.Val301Met; replaces valine 301 with methionine.
Molecular consequence: missense variant.
Genome position (GRCh38, 1-based): chr19:2,989,221, G>A. VCF-style: chr19-2989221-G-A. GRCh37 (hg19) VCF-style: chr19-2989219-G-A.
Other names: c.532G>A, p.Val178Met (NM_024760.3); short protein forms V178M, V301M.
Identifiers: ClinVar variation 1879409 (VCV001879409.29), dbSNP rs576843904, ClinGen allele CA304298759.

ClinVar aggregate classification (germline): Uncertain significance (1 of 4 stars; one submission).

Allele frequency attached by ClinVar (database versions not stated): gnomAD 0.00001; TOPMed 0.00002.
gnomAD v4.1: 13 of 1,613,972 alleles (0.00081%); highest among the groups gnomAD compares: South Asian, 0.0077%; no homozygotes.

Submission:

CeGaT Center for Human Genetics Tuebingen
Classification: Uncertain significance. Last evaluated: 2022-11-01. Review status: criteria provided, single submitter. Criteria: CeGaT Center For Human Genetics Tuebingen Variant Classification Criteria Version 2. Collection method: clinical testing. Allele origin: germline. Affected: yes. Observed: 1 variant allele.
Comment: TLE6: PM2, BP4